The following is an entry in ClinVar:

ClinVar aggregate classification (germline): Uncertain significance. Review status: criteria provided, multiple submitters, no conflicts (2 of 4 stars). 4 submissions from 4 submitters: Uncertain significance (4). Last evaluated 2025-02-12.

Conditions:
Hereditary cancer-predisposing syndrome. Also called: Neoplastic Syndromes, Hereditary; Hereditary Cancer Syndrome; Tumor predisposition; Hereditary neoplastic syndrome. Identifiers: Orphanet 140162, MedGen C0027672, MeSH D009386, MONDO:0015356.
Ataxia-telangiectasia syndrome (AT). Also called: LOUIS-BAR SYNDROME; Cerebello-oculocutaneous telangiectasia; Immunodeficiency with ataxia telangiectasia; Ataxia-telangiectasia, complementation group D; AT, COMPLEMENTATION GROUP C; Ataxia-telangiectasia, complementation group E. Identifiers: Orphanet 100, MedGen C0004135, MONDO:0008840, OMIM 208900.

Allele frequency attached by ClinVar (database versions not stated): gnomAD exomes below 0.00001; TOPMed below 0.00001.
gnomAD v4.1: 4 of 1,612,810 alleles (0.00025%); highest among the groups gnomAD compares: Non-Finnish European, 0.00034%; no homozygotes.

Submissions (4):

Ambry Genetics
Classification: Uncertain significance for Hereditary cancer-predisposing syndrome. Last evaluated: 2025-02-12. Review status: criteria provided, single submitter. Criteria: Ambry Variant Classification Scheme 2023. Collection method: clinical testing. Allele origin: germline.
Comment: The p.Y2129H variant (also known as c.6385T>C), located in coding exon 43 of the ATM gene, results from a T to C substitution at nucleotide position 6385. The tyrosine at codon 2129 is replaced by histidine, an amino acid with similar properties. This amino acid position is well conserved in available vertebrate species. In addition, the in silico prediction for this alteration is inconclusive. Based on the available evidence, the clinical significance of this variant remains unclear.

Labcorp Genetics (formerly Invitae), Labcorp
Classification: Uncertain significance for Ataxia-telangiectasia syndrome. Last evaluated: 2024-11-27. Review status: criteria provided, single submitter. Criteria: Invitae Variant Classification Sherloc (09022015). Collection method: clinical testing. Allele origin: germline.
Comment: This sequence change replaces tyrosine, which is neutral and polar, with histidine, which is basic and polar, at codon 2129 of the ATM protein (p.Tyr2129His). This variant is present in population databases (no rsID available, gnomAD 0.007%). This variant has not been reported in the literature in individuals affected with ATM-related conditions. ClinVar contains an entry for this variant (Variation ID: 489570). Invitae Evidence Modeling of protein sequence and biophysical properties (such as structural, functional, and spatial information, amino acid conservation, physicochemical variation, residue mobility, and thermodynamic stability) indicates that this missense variant is not expected to disrupt ATM protein function with a negative predictive value of 95%. In summary, the available evidence is currently insufficient to determine the role of this variant in disease. Therefore, it has been classified as a Variant of Uncertain Significance.

Women's Health and Genetics/Laboratory Corporation of America, LabCorp
Classification: Uncertain significance. Last evaluated: 2024-07-10. Review status: criteria provided, single submitter. Criteria: LabCorp Variant Classification Summary - May 2015. Collection method: clinical testing. Allele origin: germline.

Color Diagnostics, LLC DBA Color Health
Classification: Uncertain significance for Hereditary cancer-predisposing syndrome. Last evaluated: 2023-12-06. Review status: criteria provided, single submitter. Criteria: ACMG Guidelines, 2015. Collection method: clinical testing. Allele origin: germline.
Comment: This missense variant replaces tyrosine with histidine at codon 2129 of the ATM protein. Computational prediction is inconclusive regarding the impact of this variant on protein structure and function (internally defined REVEL score threshold 0.5 < inconclusive < 0.7, PMID: 27666373). To our knowledge, functional studies have not been reported for this variant. This variant has not been reported in individuals affected with ATM-related disorders in the literature. This variant has not been identified in the general population by the Genome Aggregation Database (gnomAD). The available evidence is insufficient to determine the role of this variant in disease conclusively. Therefore, this variant is classified as a Variant of Uncertain Significance.

NM_000051.4(ATM):c.6385T>C (p.Tyr2129His)

Genes: ATM (ATM serine/threonine kinase; plus strand), C11orf65 (chromosome 11 open reading frame 65; minus strand). Cytogenetic location: 11q22.3.
Variant type: single nucleotide variant.
Coding change: c.6385T>C on transcript NM_000051.4 (MANE Select); coding-DNA position 6385, T replaced by C.
Protein change: p.Tyr2129His; replaces tyrosine 2129 with histidine.
Molecular consequence: missense variant. On other transcripts: intron variant (2).
Genome position (GRCh38, 1-based): chr11:108,319,991, T>C. VCF-style: chr11-108319991-T-C. GRCh37 (hg19) VCF-style: chr11-108190718-T-C.
Other names: c.6385T>C, p.Tyr2129His (NM_001351834.2); c.641-10920A>G (NM_001330368.2); c.*39-10920A>G (NM_001351110.2); short protein forms Y2129H.
Identifiers: ClinVar variation 489570 (VCV000489570.17), dbSNP rs876658542, ClinGen allele CA382553307.